The following is an entry in ClinVar:

ClinVar aggregate classification (germline): Uncertain significance. Review status: criteria provided, multiple submitters, no conflicts (2 of 4 stars). 2 submissions from 2 submitters: Uncertain significance (2). Last evaluated 2024-12-13.

Conditions:
RYR1-related disorder. Also called: RYR1-related condition; RYR1-related disorders. Identifiers: MedGen CN239331.

Allele frequency attached by ClinVar (database versions not stated): gnomAD exomes 0.00001.
gnomAD v4.1: 3 of 1,614,134 alleles (0.00019%); highest among the groups gnomAD compares: African/African-American, 0.0013%; no homozygotes.

Submissions (2):

Revvity Omics, Revvity
Classification: Uncertain significance. Last evaluated: 2024-12-13. Review status: criteria provided, single submitter. Criteria: ACMG Guidelines, 2015. Collection method: clinical testing. Allele origin: germline.

Labcorp Genetics (formerly Invitae), Labcorp
Classification: Uncertain significance for RYR1-related disorder. Last evaluated: 2022-09-23. Review status: criteria provided, single submitter. Criteria: Invitae Variant Classification Sherloc (09022015). Collection method: clinical testing. Allele origin: germline.
Comment: This sequence change replaces alanine, which is neutral and non-polar, with valine, which is neutral and non-polar, at codon 2759 of the RYR1 protein (p.Ala2759Val). This variant is present in population databases (no rsID available, gnomAD 0.007%). This missense change has been observed in individual(s) with clinical features of malignant hyperthermia susceptibility and/or neurodevelopmental disorders (PMID: 31785789; Invitae). Advanced modeling of protein sequence and biophysical properties (such as structural, functional, and spatial information, amino acid conservation, physicochemical variation, residue mobility, and thermodynamic stability) performed at Invitae indicates that this missense variant is expected to disrupt RYR1 protein function. In summary, the available evidence is currently insufficient to determine the role of this variant in disease. Therefore, it has been classified as a Variant of Uncertain Significance.

Literature cited by the submitters: PubMed 31785789 (cited by Labcorp Genetics (formerly Invitae), Labcorp).

NM_000540.3(RYR1):c.8276C>T (p.Ala2759Val)

Gene: RYR1 (ryanodine receptor 1; plus strand). Cytogenetic location: 19q13.2.
Variant type: single nucleotide variant.
Coding change: c.8276C>T on transcript NM_000540.3 (MANE Select); coding-DNA position 8276, C replaced by T.
Protein change: p.Ala2759Val; replaces alanine 2759 with valine.
Molecular consequence: missense variant.
Genome position (GRCh38, 1-based): chr19:38,505,047, C>T. VCF-style: chr19-38505047-C-T. GRCh37 (hg19) VCF-style: chr19-38995687-C-T.
Other names: c.8276C>T, p.Ala2759Val (NM_001042723.2); short protein forms A2759V.
Identifiers: ClinVar variation 2421691 (VCV002421691.7), dbSNP rs866139708, ClinGen allele CA308116722.